The following is an entry in ClinVar:

ClinVar aggregate classification (germline): Uncertain significance. Review status: criteria provided, multiple submitters, no conflicts (2 of 4 stars). 3 submissions from 3 submitters: Uncertain significance (3). Last evaluated 2025-12-15.

Conditions:
Emery-Dreifuss muscular dystrophy 5, autosomal dominant (EDMD5). Also called: EMERY-DREIFUSS MUSCULAR DYSTROPHY 5. Identifiers: Orphanet 261, MedGen C2751805, MONDO:0013072, OMIM 612999.

Allele frequency attached by ClinVar (database versions not stated): gnomAD 0.00004 and 0.00005; TOPMed 0.00006; gnomAD exomes 0.00008; ExAC 0.00009; 1000 Genomes Project 0.00020; 1000 Genomes Project 30x 0.00031.
gnomAD v4.1: 100 of 1,601,276 alleles (0.0062%); highest among the groups gnomAD compares: Admixed American, 0.04%; no homozygotes.

Submissions (3):

Labcorp Genetics (formerly Invitae), Labcorp
Classification: Uncertain significance for Emery-Dreifuss muscular dystrophy 5, autosomal dominant. Last evaluated: 2025-12-15. Review status: criteria provided, single submitter. Criteria: Invitae Variant Classification Sherloc (09022015). Collection method: clinical testing. Allele origin: germline.
Comment: This sequence change replaces phenylalanine, which is neutral and non-polar, with cysteine, which is neutral and slightly polar, at codon 1847 of the SYNE2 protein (p.Phe1847Cys). This variant is present in population databases (rs182807926, gnomAD 0.04%), and has an allele count higher than expected for a pathogenic variant. This variant has not been reported in the literature in individuals affected with SYNE2-related conditions. ClinVar contains an entry for this variant (Variation ID: 1513752). An algorithm developed to predict the effect of missense changes on protein structure and function (PolyPhen-2) suggests that this variant is likely to be disruptive. In summary, the available evidence is currently insufficient to determine the role of this variant in disease. Therefore, it has been classified as a Variant of Uncertain Significance.

Ambry Genetics
Classification: Uncertain significance. Last evaluated: 2025-04-27. Review status: criteria provided, single submitter. Criteria: Ambry Variant Classification Scheme 2023. Collection method: clinical testing. Allele origin: germline.

Breakthrough Genomics
Classification: Uncertain significance. Review status: criteria provided, single submitter. Criteria: ACMG Guidelines, 2015. Collection method: not provided. Allele origin: germline. Inheritance: Autosomal dominant inheritance. Affected: yes.

NM_182914.3(SYNE2):c.5540T>G (p.Phe1847Cys)

Gene: SYNE2 (spectrin repeat containing nuclear envelope protein 2; plus strand). Cytogenetic location: 14q23.2.
Variant type: single nucleotide variant.
Coding change: c.5540T>G on transcript NM_182914.3 (MANE Select); coding-DNA position 5540, T replaced by G.
Protein change: p.Phe1847Cys; replaces phenylalanine 1847 with cysteine.
Molecular consequence: missense variant.
Genome position (GRCh38, 1-based): chr14:64,022,766, T>G. VCF-style: chr14-64022766-T-G. GRCh37 (hg19) VCF-style: chr14-64489484-T-G.
Other names: c.5540T>G (NM_182914.2); c.5540T>G, p.Phe1847Cys (NM_015180.6); short protein forms F1847C.
Identifiers: ClinVar variation 1513752 (VCV001513752.11), dbSNP rs182807926, ClinGen allele CA7220501.